The following is an entry in ClinVar:

ClinVar aggregate classification (germline): Uncertain significance (1 of 4 stars; one submission).

Allele frequency attached by ClinVar (database versions not stated): gnomAD exomes below 0.00001.
gnomAD v4.1: 1 of 1,614,090 alleles (0.000062%); highest among the groups gnomAD compares: Non-Finnish European, 0.000085%; no homozygotes.

Submission:

Labcorp Genetics (formerly Invitae), Labcorp
Classification: Uncertain significance. Last evaluated: 2023-09-21. Review status: criteria provided, single submitter. Criteria: Invitae Variant Classification Sherloc (09022015). Collection method: clinical testing. Allele origin: germline.
Comment: This sequence change replaces histidine, which is basic and polar, with tyrosine, which is neutral and polar, at codon 839 of the ERBIN protein (p.His839Tyr). In summary, the available evidence is currently insufficient to determine the role of this variant in disease. Therefore, it has been classified as a Variant of Uncertain Significance. An algorithm developed to predict the effect of missense changes on protein structure and function (PolyPhen-2) suggests that this variant is likely to be tolerated. This variant has not been reported in the literature in individuals affected with ERBIN-related conditions. This variant is present in population databases (no rsID available, gnomAD 0.0009%).

NM_001253697.2(ERBIN):c.2515C>T (p.His839Tyr)

Gene: ERBIN (erbb2 interacting protein; plus strand). Cytogenetic location: 5q12.3.
Variant type: single nucleotide variant.
Coding change: c.2515C>T on transcript NM_001253697.2 (MANE Select); coding-DNA position 2515, C replaced by T.
Protein change: p.His839Tyr; replaces histidine 839 with tyrosine.
Molecular consequence: missense variant.
Genome position (GRCh38, 1-based): chr5:66,053,833, C>T. VCF-style: chr5-66053833-C-T. GRCh37 (hg19) VCF-style: chr5-65349661-C-T.
Other names: c.2515C>T, p.His839Tyr (NM_001006600.3, NM_001253698.2, NM_001253699.2 and 1 more transcripts); c.2503C>T, p.His835Tyr (NM_001253701.2); short protein forms H835Y, H839Y.
Identifiers: ClinVar variation 2878109 (VCV002878109.3), dbSNP rs1428855455, ClinGen allele CA359867038.